The following is an entry in ClinVar:

ClinVar aggregate classification (germline): Uncertain significance (1 of 4 stars; one submission).

Conditions:
Cardiovascular phenotype. Identifiers: MedGen CN230736.

Submission:

Ambry Genetics
Classification: Uncertain significance for Cardiovascular phenotype. Last evaluated: 2023-05-08. Review status: criteria provided, single submitter. Criteria: Ambry Variant Classification Scheme 2023. Collection method: clinical testing. Allele origin: germline.
Comment: The p.M1? variant (also known as c.3G>A) is located in coding exon 1 of the CSRP3 gene and results from a G to A substitution at nucleotide position 3. This alters the methionine residue at the initiation codon (ATG). This alteration has been reported in a spontaneous abortion sample; however, clinical details were limited and an additional alteration in NIPBL was also identified (Zhao C et al. Genet Med. 2021 Mar;23(3):435-442). Sequence variations that modify the initiation codon are expected to result in either loss of translation initiation, N-terminal truncation, or cause a shift in the mRNA reading frame. However, loss of function of CSRP3 has not been established as a mechanism of disease. Since supporting evidence is limited at this time, the clinical significance of this alteration remains unclear.

Literature cited by the submitters: PubMed 33100332.

NM_003476.5(CSRP3):c.3G>A (p.Met1Ile)

Gene: CSRP3 (cysteine and glycine rich protein 3; minus strand). Cytogenetic location: 11p15.1.
Variant type: single nucleotide variant.
Coding change: c.3G>A on transcript NM_003476.5 (MANE Select); coding-DNA position 3, G replaced by A.
Protein change: p.Met1Ile; changes the start codon (methionine 1).
Molecular consequence: missense variant, initiator codon variant.
Genome position (GRCh38, 1-based): chr11:19,192,446, C>T on the plus strand (G>A on the coding strand, the complement: CSRP3 is on the minus strand). VCF-style: chr11-19192446-C-T. GRCh37 (hg19) VCF-style: chr11-19213993-C-T.
Other names: c.3G>A, p.Met1Ile (NM_001127656.1, NM_001369404.1); short protein forms M1I.
Identifiers: ClinVar variation 2562757 (VCV002562757.3), dbSNP rs2494229293, ClinGen allele CA379888704.